The following is an entry in ClinVar:

ClinVar aggregate classification (germline): Likely benign. Review status: criteria provided, multiple submitters, no conflicts (2 of 4 stars). 5 submissions from 5 submitters: Likely benign (5). Last evaluated 2026-09-21.

Conditions:
Familial thoracic aortic aneurysm and aortic dissection (TAAD). Also called: Thoracic aortic aneurysms and dissections. Identifiers: Orphanet 91387, MedGen C4707243, MONDO:0019625.
Aortic aneurysm, familial thoracic 7 (AAT7). Also called: AORTIC DISSECTION, FAMILIAL, WITH OR WITHOUT AORTIC ANEURYSM. Identifiers: MedGen C3151077, MONDO:0013418, OMIM 613780.

Allele frequency attached by ClinVar (database versions not stated): ESP Exome Variant Server 0.00008; TOPMed 0.00012; gnomAD 0.00014 and 0.00015; ExAC 0.00016; gnomAD exomes 0.00019 and 0.00027.
gnomAD v4.1: 416 of 1,614,008 alleles (0.026%); highest among the groups gnomAD compares: Admixed American, 0.035%; no homozygotes.

Submissions (5):

Molecular Diagnostic Laboratory for Inherited Cardiovascular Disease, Montreal Heart Institute
Classification: Likely benign. Last evaluated: 2026-09-21. Review status: criteria provided, single submitter. Criteria: ACMG Guidelines, 2015. Collection method: clinical testing. Allele origin: germline. Affected: no.
Comment: BS1;BP7

CeGaT Center for Human Genetics Tuebingen
Classification: Likely benign. Last evaluated: 2026-02-01. Review status: criteria provided, single submitter. Criteria: CeGaT Center For Human Genetics Tuebingen Variant Classification Criteria Version 2. Collection method: clinical testing. Allele origin: germline. Affected: yes. Observed: 2 variant alleles.
Comment: MYLK: BP4, BP7

Labcorp Genetics (formerly Invitae), Labcorp
Classification: Likely benign for Aortic aneurysm, familial thoracic 7. Last evaluated: 2026-01-27. Review status: criteria provided, single submitter. Criteria: Invitae Variant Classification Sherloc (09022015). Collection method: clinical testing. Allele origin: germline.

GeneDx
Classification: Likely benign. Last evaluated: 2020-10-14. Review status: criteria provided, single submitter. Criteria: GeneDx Variant Classification Process June 2021. Collection method: clinical testing. Allele origin: germline. Affected: yes.

Ambry Genetics
Classification: Likely benign for Familial thoracic aortic aneurysm and aortic dissection. Last evaluated: 2015-12-02. Review status: criteria provided, single submitter. Criteria: Ambry Variant Classification Scheme 2023. Collection method: clinical testing. Allele origin: germline.

NM_053025.4(MYLK):c.3681C>T (p.Ala1227=)

Gene: MYLK (myosin light chain kinase; minus strand). Cytogenetic location: 3q21.1.
Variant type: single nucleotide variant.
Coding change: c.3681C>T on transcript NM_053025.4 (MANE Select); coding-DNA position 3681, C replaced by T.
Protein change: p.Ala1227=; no amino-acid change (alanine 1227 retained).
Molecular consequence: synonymous variant.
Genome position (GRCh38, 1-based): chr3:123,667,159, G>A on the plus strand (C>T on the coding strand, the complement: MYLK is on the minus strand). VCF-style: chr3-123667159-G-A. GRCh37 (hg19) VCF-style: chr3-123386006-G-A.
Other names: c.3153C>T, p.Ala1051= (NM_001321309.2); c.3474C>T, p.Ala1158= (NM_053026.4, NM_053028.4); c.3681C>T, p.Ala1227= (NM_053027.4).
Identifiers: ClinVar variation 264548 (VCV000264548.58), dbSNP rs201663473, ClinGen allele CA070016.